The following is an entry in ClinVar:

ClinVar aggregate classification (germline): Likely benign (1 of 4 stars; one submission).

gnomAD v4.1: 36 of 1,020,994 alleles (0.0035%); highest among the groups gnomAD compares: East Asian, 0.056%; no homozygotes.

Submission:

CeGaT Center for Human Genetics Tuebingen
Classification: Likely benign. Last evaluated: 2026-08-01. Review status: criteria provided, single submitter. Criteria: CeGaT Center For Human Genetics Tuebingen Variant Classification Criteria Version 2. Collection method: clinical testing. Allele origin: germline. Affected: yes. Observed: 1 variant allele.
Comment: LOC128031833: BS2

NM_001414729.1(LOC128031833):c.42G>A (p.Leu14=)

Genes: ARHGEF9 (Cdc42 guanine nucleotide exchange factor 9; minus strand), LOC128031833 (uncharacterized LOC128031833; minus strand). Cytogenetic location: Xq11.1.
Variant type: single nucleotide variant.
Coding change: c.42G>A on transcript NM_001414729.1 (MANE Select); coding-DNA position 42, G replaced by A.
Protein change: p.Leu14=; no amino-acid change (leucine 14 retained).
Molecular consequence: synonymous variant. On other transcripts: 5 prime UTR variant (17), intron variant (10).
Genome position (GRCh38, 1-based): chrX:63,754,623, C>T on the plus strand (G>A on the coding strand, the complement: LOC128031833 is on the minus strand). VCF-style: chrX-63754623-C-T. GRCh37 (hg19) VCF-style: chrX-62974503-C-T.
Other names: c.-426G>A (NM_001173480.2); c.-311G>A (NM_001353924.2, NM_001353928.2, NM_001369030.1 and 2 more transcripts); c.-307G>A (NM_001353926.2, NM_001369031.1, NM_001369032.1 and 1 more transcripts); c.-363G>A (NM_001353927.2, NM_001369033.1, NM_001369034.1); c.-441G>A (NM_001369036.1); c.-668G>A (NM_001369037.1); c.-749G>A (NM_001369042.1); c.-993G>A (NM_001369045.1); and 6 more.
Identifiers: ClinVar variation 5039672 (VCV005039672.1).